The following is an entry in ClinVar:

NM_006343.3(MERTK):c.2039A>G (p.His680Arg)

Gene: MERTK (MER proto-oncogene, tyrosine kinase; plus strand). Cytogenetic location: 2q13.
Variant type: single nucleotide variant.
Coding change: c.2039A>G on transcript NM_006343.3 (MANE Select); coding-DNA position 2039, A replaced by G.
Protein change: p.His680Arg; replaces histidine 680 with arginine.
Molecular consequence: missense variant.
Genome position (GRCh38, 1-based): chr2:112,010,026, A>G. VCF-style: chr2-112010026-A-G. GRCh37 (hg19) VCF-style: chr2-112767603-A-G.
Other names: c.2039A>G (NM_006343.2); short protein forms H680R.
Identifiers: ClinVar variation 1349982 (VCV001349982.7), dbSNP rs749028235, ClinGen allele CA1831647.

ClinVar aggregate classification (germline): Uncertain significance. Review status: criteria provided, multiple submitters, no conflicts (2 of 4 stars). 2 submissions from 2 submitters: Uncertain significance (2). Last evaluated 2022-09-06.

Conditions:
Inborn genetic diseases. Identifiers: MedGen C0950123, MeSH D030342.

Allele frequency attached by ClinVar (database versions not stated): gnomAD 0.00001; ExAC 0.00002; gnomAD exomes 0.00002.
gnomAD v4.1: 15 of 1,613,748 alleles (0.00093%); highest among the groups gnomAD compares: Non-Finnish European, 0.00034%; no homozygotes.

Submissions (2):

Labcorp Genetics (formerly Invitae), Labcorp
Classification: Uncertain significance. Last evaluated: 2022-09-06. Review status: criteria provided, single submitter. Criteria: Invitae Variant Classification Sherloc (09022015). Collection method: clinical testing. Allele origin: germline.
Comment: ClinVar contains an entry for this variant (Variation ID: 1349982). In summary, the available evidence is currently insufficient to determine the role of this variant in disease. Therefore, it has been classified as a Variant of Uncertain Significance. Algorithms developed to predict the effect of missense changes on protein structure and function (SIFT, PolyPhen-2, Align-GVGD) all suggest that this variant is likely to be disruptive. This variant has not been reported in the literature in individuals affected with MERTK-related conditions. This variant is present in population databases (rs749028235, gnomAD 0.04%). This sequence change replaces histidine, which is basic and polar, with arginine, which is basic and polar, at codon 680 of the MERTK protein (p.His680Arg).

Ambry Genetics
Classification: Uncertain significance for Inborn genetic diseases. Last evaluated: 2022-01-03. Review status: criteria provided, single submitter. Criteria: Ambry Variant Classification Scheme 2023. Collection method: clinical testing. Allele origin: germline.